The following is an entry in ClinVar:

ClinVar aggregate classification (germline): Uncertain significance (1 of 4 stars; one submission).

Conditions:
Baller-Gerold syndrome (BGS). Also called: CRANIOSYNOSTOSIS WITH RADIAL DEFECTS. Identifiers: Orphanet 1225, MedGen C0265308, MONDO:0009039, OMIM 218600.

Submission:

Labcorp Genetics (formerly Invitae), Labcorp
Classification: Uncertain significance for Baller-Gerold syndrome. Last evaluated: 2023-11-27. Review status: criteria provided, single submitter. Criteria: Invitae Variant Classification Sherloc (09022015). Collection method: clinical testing. Allele origin: germline.
Comment: This sequence change replaces asparagine, which is neutral and polar, with serine, which is neutral and polar, at codon 265 of the RECQL4 protein (p.Asn265Ser). This variant is not present in population databases (gnomAD no frequency). This variant has not been reported in the literature in individuals affected with RECQL4-related conditions. ClinVar contains an entry for this variant (Variation ID: 1041225). Advanced modeling of protein sequence and biophysical properties (such as structural, functional, and spatial information, amino acid conservation, physicochemical variation, residue mobility, and thermodynamic stability) performed at Invitae indicates that this missense variant is not expected to disrupt RECQL4 protein function with a negative predictive value of 80%. In summary, the available evidence is currently insufficient to determine the role of this variant in disease. Therefore, it has been classified as a Variant of Uncertain Significance.

NM_004260.4(RECQL4):c.794A>G (p.Asn265Ser)

Gene: RECQL4 (RecQ like helicase 4; minus strand). Cytogenetic location: 8q24.3.
Variant type: single nucleotide variant.
Coding change: c.794A>G on transcript NM_004260.4 (MANE Select); coding-DNA position 794, A replaced by G.
Protein change: p.Asn265Ser; replaces asparagine 265 with serine.
Molecular consequence: missense variant.
Genome position (GRCh38, 1-based): chr8:144,516,325, T>C on the plus strand (A>G on the coding strand, the complement: RECQL4 is on the minus strand). VCF-style: chr8-144516325-T-C. GRCh37 (hg19) VCF-style: chr8-145741709-T-C.
Other names: short protein forms N265S.
Identifiers: ClinVar variation 1041225 (VCV001041225.5), dbSNP rs1814980293, ClinGen allele CA372689203.
Genomic context (GRCh38, chr8:144,516,325, plus strand): 5'-GGGGGTCCAGCTTGGCTGCTCTCCTGCTGGACCTGTGCGGGGCTCTCCCAGGGCTCCTCG[T>C]TCCATCTCCGCTTCTCGCCTCCACTGCTGCTGGGCTGGGGGCTCCCCACACGGATGCTGA-3'
Protein context (NP_004251.4, residues 255-275): SSSGGEKRRW[Asn265Ser]EEPWESPAQV